The following is an entry in ClinVar:

NM_177438.3(DICER1):c.3668A>C (p.Tyr1223Ser)

Gene: DICER1 (dicer 1, ribonuclease III; minus strand). Cytogenetic location: 14q32.13.
Variant type: single nucleotide variant.
Coding change: c.3668A>C on transcript NM_177438.3 (MANE Select); coding-DNA position 3668, A replaced by C.
Protein change: p.Tyr1223Ser; replaces tyrosine 1223 with serine.
Molecular consequence: missense variant. On other transcripts: non-coding transcript variant (6).
Genome position (GRCh38, 1-based): chr14:95,103,728, T>G on the plus strand (A>C on the coding strand, the complement: DICER1 is on the minus strand). VCF-style: chr14-95103728-T-G. GRCh37 (hg19) VCF-style: chr14-95570065-T-G.
Other names: c.3668A>C, p.Tyr1223Ser (NM_001195573.1, NM_001271282.3, NM_001291628.2 and 13 more transcripts); c.3386A>C, p.Tyr1129Ser (NM_001395686.1); c.3263A>C, p.Tyr1088Ser (NM_001395687.1, NM_001395688.1, NM_001395689.1 and 2 more transcripts); c.3101A>C, p.Tyr1034Ser (NM_001395691.1); c.1985A>C, p.Tyr662Ser (NM_001395697.1); short protein forms Y1034S, Y1088S, Y1129S, Y1223S, Y662S.
Identifiers: ClinVar variation 3229386 (VCV003229386.1), dbSNP rs1595365501, ClinGen allele CA390874449.

ClinVar aggregate classification (germline): Uncertain significance (1 of 4 stars; one submission).

Conditions:
Hereditary cancer-predisposing syndrome. Also called: Neoplastic Syndromes, Hereditary; Tumor predisposition; Hereditary neoplastic syndrome; Hereditary Cancer Syndrome. Identifiers: Orphanet 140162, MedGen C0027672, MeSH D009386, MONDO:0015356.

Submission:

Ambry Genetics
Classification: Uncertain significance for Hereditary cancer-predisposing syndrome. Last evaluated: 2023-10-10. Review status: criteria provided, single submitter. Criteria: Ambry Variant Classification Scheme 2023. Collection method: clinical testing. Allele origin: germline.
Comment: The p.Y1223S variant (also known as c.3668A>C), located in coding exon 20 of the DICER1 gene, results from an A to C substitution at nucleotide position 3668. The tyrosine at codon 1223 is replaced by serine, an amino acid with dissimilar properties. This amino acid position is conserved. In addition, the in silico prediction for this alteration is inconclusive. Since supporting evidence is limited at this time, the clinical significance of this alteration remains unclear.